The following is an entry in ClinVar:

NM_018124.4(RFWD3):c.546T>G (p.Phe182Leu)

Gene: RFWD3 (ring finger and WD repeat domain 3; minus strand). Cytogenetic location: 16q23.1.
Variant type: single nucleotide variant.
Coding change: c.546T>G on transcript NM_018124.4 (MANE Select); coding-DNA position 546, T replaced by G.
Protein change: p.Phe182Leu; replaces phenylalanine 182 with leucine.
Molecular consequence: missense variant. On other transcripts: 5 prime UTR variant (4), intron variant (1).
Genome position (GRCh38, 1-based): chr16:74,652,095, A>C on the plus strand (T>G on the coding strand, the complement: RFWD3 is on the minus strand). VCF-style: chr16-74652095-A-C. GRCh37 (hg19) VCF-style: chr16-74685993-A-C.
Other names: c.546T>G, p.Phe182Leu (NM_001370534.1, NM_001370535.1, NM_001370536.1); c.-463T>G (NM_001370537.1); c.-289T>G (NM_001370540.1); c.-340T>G (NM_001370542.1); c.-218T>G (NM_001370543.1); c.-113-2893T>G (NM_001370539.1); short protein forms F182L.
Identifiers: ClinVar variation 2093830 (VCV002093830.4), dbSNP rs780239953, ClinGen allele CA283763042.

ClinVar aggregate classification (germline): Uncertain significance (1 of 4 stars; one submission).

Allele frequency attached by ClinVar (database versions not stated): gnomAD exomes below 0.00001.
gnomAD v4.1: 1 of 1,614,112 alleles (0.000062%); highest among the groups gnomAD compares: African/African-American, 0.0013%; no homozygotes.

Submission:

Labcorp Genetics (formerly Invitae), Labcorp
Classification: Uncertain significance. Last evaluated: 2022-02-06. Review status: criteria provided, single submitter. Criteria: Invitae Variant Classification Sherloc (09022015). Collection method: clinical testing. Allele origin: germline.
Comment: This sequence change replaces phenylalanine, which is neutral and non-polar, with leucine, which is neutral and non-polar, at codon 182 of the RFWD3 protein (p.Phe182Leu). This variant is not present in population databases (gnomAD no frequency). This variant has not been reported in the literature in individuals affected with RFWD3-related conditions. Algorithms developed to predict the effect of missense changes on protein structure and function are either unavailable or do not agree on the potential impact of this missense change (SIFT: "Tolerated"; PolyPhen-2: "Probably Damaging"; Align-GVGD: "Class C0"). In summary, the available evidence is currently insufficient to determine the role of this variant in disease. Therefore, it has been classified as a Variant of Uncertain Significance.